The following is an entry in ClinVar:

ClinVar aggregate classification (germline): Benign/Likely benign. Review status: criteria provided, multiple submitters, no conflicts (2 of 4 stars). 5 submissions from 5 submitters: Benign (3); Likely benign (2). Last evaluated 2026-07-19.

Conditions:
Developmental and epileptic encephalopathy, 5 (DEE5). Identifiers: Orphanet 3451, MedGen C3150731, MONDO:0013277, OMIM 613477.
SPTAN1-related disorder. Also called: SPTAN1-related disorders; SPTAN1-related condition.
Early-infantile DEE. Also called: Early infantile epileptic encephalopathy; Ohtahara syndrome; Early infantile epileptic encephalopathy with suppression bursts. Identifiers: Orphanet 1934, MedGen C0393706, MONDO:0800491.

Allele frequency attached by ClinVar (database versions not stated): gnomAD 0.00002; TOPMed 0.00002; ExAC 0.00026; 1000 Genomes Project 30x 0.00031; 1000 Genomes Project 0.00040.
gnomAD v4.1: 107 of 1,612,896 alleles (0.0066%); highest among the groups gnomAD compares: South Asian, 0.11%; 1 homozygote.

Submissions (5):

PreventionGenetics, part of Exact Sciences
Classification: Likely benign for SPTAN1-related condition. Last evaluated: 2026-07-19. Review status: criteria provided, single submitter. Criteria: ACMG Guidelines, 2015. Collection method: clinical testing. Allele origin: germline.
Comment: This variant is classified as likely benign based on ACMG/AMP sequence variant interpretation guidelines (Richards et al. 2015 PMID: 25741868, with internal and published modifications).

Labcorp Genetics (formerly Invitae), Labcorp
Classification: Benign for Early-infantile DEE. Last evaluated: 2026-01-13. Review status: criteria provided, single submitter. Criteria: Invitae Variant Classification Sherloc (09022015). Collection method: clinical testing. Allele origin: germline.

ARUP Laboratories, Molecular Genetics and Genomics, ARUP Laboratories
Classification: Likely benign for Developmental and epileptic encephalopathy, 5. Last evaluated: 2024-02-15. Review status: criteria provided, single submitter. Criteria: ARUP Molecular Germline Variant Investigation Process 2024. Collection method: clinical testing. Allele origin: germline.

GeneDx
Classification: Benign. Last evaluated: 2021-09-28. Review status: criteria provided, single submitter. Criteria: GeneDx Variant Classification Process June 2021. Collection method: clinical testing. Allele origin: germline. Affected: yes.

Genome-Nilou Lab
Classification: Benign for Developmental and epileptic encephalopathy, 5. Last evaluated: 2021-07-15. Review status: criteria provided, single submitter. Criteria: ACMG Guidelines, 2015. Collection method: clinical testing. Allele origin: germline. Affected: no.

NM_001130438.3(SPTAN1):c.6763-6C>A

Gene: SPTAN1 (spectrin alpha, non-erythrocytic 1; plus strand). Cytogenetic location: 9q34.11.
Variant type: single nucleotide variant.
Coding change: c.6763-6C>A on transcript NM_001130438.3 (MANE Select); 6 bases into the intron before coding-DNA position 6763, C replaced by A.
Molecular consequence: intron variant.
Genome position (GRCh38, 1-based): chr9:128,632,121, C>A. VCF-style: chr9-128632121-C-A. GRCh37 (hg19) VCF-style: chr9-131394400-C-A.
Other names: c.6862-6C>A (NM_001375318.1); c.6799-6C>A (NM_001375312.2); c.6763-6C>A (NM_001375311.2, NM_001130438.2); c.6703-6C>A (NM_001375314.2, NM_001363765.2); c.6850-6C>A (NM_001375310.1); c.6826-6C>A (NM_001363759.2); c.6745-6C>A (NM_001375313.1); c.6748-6C>A (NM_003127.4); and 1 more.
Identifiers: ClinVar variation 1169465 (VCV001169465.16), dbSNP rs543227930, ClinGen allele CA5265914.